The following is an entry in ClinVar:

ClinVar aggregate classification (germline): Uncertain significance (1 of 4 stars; one submission).

Submission:

Labcorp Genetics (formerly Invitae), Labcorp
Classification: Uncertain significance. Last evaluated: 2023-04-14. Review status: criteria provided, single submitter. Criteria: Invitae Variant Classification Sherloc (09022015). Collection method: clinical testing. Allele origin: germline.
Comment: In summary, the available evidence is currently insufficient to determine the role of this variant in disease. Therefore, it has been classified as a Variant of Uncertain Significance. Algorithms developed to predict the effect of sequence changes on RNA splicing suggest that this variant may disrupt the consensus splice site. Experimental studies and prediction algorithms are not available or were not evaluated, and the functional significance of this variant is currently unknown. This variant has not been reported in the literature in individuals affected with LTBP2-related conditions. This variant is not present in population databases (gnomAD no frequency). This variant, c.2945_2968del, results in the deletion of 8 amino acid(s) of the LTBP2 protein (p.Asp982_Pro989del), but otherwise preserves the integrity of the reading frame.

NM_000428.3(LTBP2):c.2945_2968del (p.Asp982_Pro989del)

Gene: LTBP2 (latent transforming growth factor beta binding protein 2; minus strand). Cytogenetic location: 14q24.3.
Variant type: Deletion.
Coding change: c.2945_2968del on transcript NM_000428.3 (MANE Select); coding-DNA positions 2945 to 2968, 24 bases deleted (ATGGGAGATGCGTCAATTCCCCTG).
Protein change: p.Asp982_Pro989del.
Molecular consequence: inframe deletion.
Genome position (GRCh38, 1-based): chr14:74,511,305-74,511,328, CAGGGGAATTGACGCATCTCCCAT deleted on the plus strand (ATGGGAGATGCGTCAATTCCCCTG on the coding strand, the reverse complement: LTBP2 is on the minus strand); deleting any 24 consecutive bases within chr14:74,511,305-74,511,333 gives the same sequence; the c. name uses the placement nearest the transcript's 3' end. VCF-style (leftmost placement, unchanged base first): chr14-74511304-CCAGGGGAATTGACGCATCTCCCAT-C. GRCh37 (hg19) VCF-style: chr14-74978007-CCAGGGGAATTGACGCATCTCCCAT-C.
Identifiers: ClinVar variation 2908363 (VCV002908363.3), dbSNP rs2087067822, ClinGen allele CA2147078324.
Genomic context (GRCh38, chr14:74,511,304, plus strand): 5'-CCTACACAGCTCCCACTCTGGCCCCGGTAGCCCTCCTCACAGGCCAGACAAGTGTAGGAG[CCAGGGGAATTGACGCATCTCCCAT>C]CAGGGCAGGTACCGGGGTGACGGCATTCGTTGATATCTGCAAAACAGCAGCCCCTCCCTT-3'